The following is an entry in ClinVar:

ClinVar aggregate classification (germline): Likely benign (1 of 4 stars; one submission).

Allele frequency attached by ClinVar (database versions not stated): gnomAD exomes 0.00001.

Submission:

CeGaT Center for Human Genetics Tuebingen
Classification: Likely benign. Last evaluated: 2023-12-01. Review status: criteria provided, single submitter. Criteria: CeGaT Center For Human Genetics Tuebingen Variant Classification Criteria Version 2. Collection method: clinical testing. Allele origin: germline. Affected: yes. Observed: 1 variant allele.
Comment: DLL1: BP1

NM_005618.4(DLL1):c.400G>A (p.Asp134Asn)

Gene: DLL1 (delta like canonical Notch ligand 1; minus strand). Cytogenetic location: 6q27.
Variant type: single nucleotide variant.
Coding change: c.400G>A on transcript NM_005618.4 (MANE Select); coding-DNA position 400, G replaced by A.
Protein change: p.Asp134Asn; replaces aspartic acid 134 with asparagine.
Molecular consequence: missense variant.
Genome position (GRCh38, 1-based): chr6:170,288,741, C>T on the plus strand (G>A on the coding strand, the complement: DLL1 is on the minus strand). VCF-style: chr6-170288741-C-T. GRCh37 (hg19) VCF-style: chr6-170597829-C-T.
Other names: short protein forms D134N.
Identifiers: ClinVar variation 3026496 (VCV003026496.22), dbSNP rs1207090892, ClinGen allele CA366509670.
Genomic context (GRCh38, chr6:170,288,741, plus strand): 5'-TGCTATTAACTGGGGAAAGCAGTTTTGGGGTTTGGGTTTTGTTTTTACCTGTTGCGAGGT[C>T]ATCAGGAGAATCTGTGTGGAGAGCTTCAATAATCAGAGAGAAGGTGCCCTGGGAGAGAGG-3'
Protein context (NP_005609.3, residues 124-144): IEALHTDSPD[Asp134Asn]LATENPERLI